The following is an entry in ClinVar:

ClinVar aggregate classification (germline): Likely benign. Review status: criteria provided, multiple submitters, no conflicts (2 of 4 stars). 2 submissions from 2 submitters: Likely benign (2). Last evaluated 2025-10-26.

Conditions:
CD151-related disorder. Also called: CD151-related condition.

Allele frequency attached by ClinVar (database versions not stated): ExAC 0.00003; gnomAD 0.00009; TOPMed 0.00010; gnomAD exomes 0.00017.
gnomAD v4.1: 266 of 1,610,032 alleles (0.017%); highest among the groups gnomAD compares: Non-Finnish European, 0.02%; no homozygotes.

Submissions (2):

Labcorp Genetics (formerly Invitae), Labcorp
Classification: Likely benign. Last evaluated: 2025-10-26. Review status: criteria provided, single submitter. Criteria: Invitae Variant Classification Sherloc (09022015). Collection method: clinical testing. Allele origin: germline.

PreventionGenetics, part of Exact Sciences
Classification: Likely benign for CD151-related condition. Last evaluated: 2024-12-30. Review status: criteria provided, single submitter. Criteria: ACMG Guidelines, 2015. Collection method: clinical testing. Allele origin: germline.
Comment: This variant is classified as likely benign based on ACMG/AMP sequence variant interpretation guidelines (Richards et al. 2015 PMID: 25741868, with internal and published modifications).

NM_004357.5(CD151):c.616-4G>A

Gene: CD151 (CD151 molecule (Raph blood group); plus strand). Cytogenetic location: 11p15.5.
Variant type: single nucleotide variant.
Coding change: c.616-4G>A on transcript NM_004357.5 (MANE Select); 4 bases into the intron before coding-DNA position 616, G replaced by A.
Molecular consequence: intron variant.
Genome position (GRCh38, 1-based): chr11:837,938, G>A. VCF-style: chr11-837938-G-A. GRCh37 (hg19) VCF-style: chr11-837938-G-A.
Other names: c.616-4G>A (NM_004357.4, NM_139030.4, NM_139029.2 and 1 more transcripts).
Identifiers: ClinVar variation 2724654 (VCV002724654.4), dbSNP rs568567149, ClinGen allele CA5792320.